The following is an entry in ClinVar:

ClinVar aggregate classification (germline): Pathogenic/Likely pathogenic. Review status: criteria provided, multiple submitters, no conflicts (2 of 4 stars). 4 submissions from 4 submitters: Pathogenic (1); Likely pathogenic (3). Last evaluated 2025-07-18.

Conditions:
Combined malonic and methylmalonic acidemia. Identifiers: Orphanet 289504, MedGen C3280314, MONDO:0013661, OMIM 614265.

Allele frequency attached by ClinVar (database versions not stated): gnomAD exomes below 0.00001; ExAC 0.00001; gnomAD 0.00001.

Submissions (4):

Natera, Inc.
Classification: Likely pathogenic for Combined malonic and methylmalonic aciduria. Last evaluated: 2025-07-18. Review status: criteria provided, single submitter. Criteria: Natera Variant Classification Schema (03/2026). Collection method: clinical testing. Allele origin: germline.
Comment: The c.1329dupT variant in ACSF3 is a frameshift variant predicted to shift the reading frame and introduce a stop codon. This variant is expected to result in nonsense mediated decay, truncation, or a dysfunctional protein product. This variant is rare in the general population with a frequency below the threshold expected for the associated phenotype(s). Given the available evidence, this variant is classified as Likely Pathogenic.

Fulgent Genetics
Classification: Likely pathogenic for Combined malonic and methylmalonic acidemia. Last evaluated: 2023-12-20. Review status: criteria provided, single submitter. Criteria: ACMG Guidelines, 2015. Collection method: clinical testing. Allele origin: germline.

Labcorp Genetics (formerly Invitae), Labcorp
Classification: Pathogenic for Combined malonic and methylmalonic acidemia. Last evaluated: 2023-11-02. Review status: criteria provided, single submitter. Criteria: Invitae Variant Classification Sherloc (09022015). Collection method: clinical testing. Allele origin: germline.
Comment: This sequence change creates a premature translational stop signal (p.Lys444*) in the ACSF3 gene. It is expected to result in an absent or disrupted protein product. Loss-of-function variants in ACSF3 are known to be pathogenic (PMID: 21841779, 26827111). This variant is present in population databases (rs776995095, gnomAD 0.002%). This variant has not been reported in the literature in individuals affected with ACSF3-related conditions. ClinVar contains an entry for this variant (Variation ID: 1069517). For these reasons, this variant has been classified as Pathogenic.

Baylor Genetics
Classification: Likely pathogenic for Combined malonic and methylmalonic acidemia. Last evaluated: 2023-07-14. Review status: criteria provided, single submitter. Criteria: ACMG Guidelines, 2015. Collection method: clinical testing. Allele origin: unknown.

Literature cited by the submitters: PubMed 21841779 (cited by Labcorp Genetics (formerly Invitae), Labcorp); PubMed 26827111 (cited by Labcorp Genetics (formerly Invitae), Labcorp).

NM_001243279.3(ACSF3):c.1329dup (p.Lys444Ter)

Gene: ACSF3 (acyl-CoA synthetase family member 3; plus strand). Cytogenetic location: 16q24.3.
Variant type: Duplication.
Coding change: c.1329dup on transcript NM_001243279.3 (MANE Select); coding-DNA position 1329, one base duplicated (T; older notation c.1329dupT).
Protein change: p.Lys444Ter; replaces lysine 444 with a stop codon.
Molecular consequence: nonsense. On other transcripts: non-coding transcript variant (3).
Genome position (GRCh38, 1-based): chr16:89,133,225, T duplicated. VCF-style (leftmost placement, unchanged base first): chr16-89133224-C-CT. GRCh37 (hg19) VCF-style: chr16-89199632-C-CT.
Other names: c.1329dup, p.Lys444Ter (NM_001127214.4, NM_174917.5); c.534dup, p.Lys179Ter (NM_001284316.2); c.1329dupT (NM_174917.4); short protein forms K179*, K444*.
Identifiers: ClinVar variation 1069517 (VCV001069517.11), dbSNP rs776995095, ClinGen allele CA8238103.